The following is an entry in ClinVar:

ClinVar aggregate classification (germline): Uncertain significance (1 of 4 stars; one submission).

Submission:

GeneDx
Classification: Uncertain significance. Last evaluated: 2018-01-18. Review status: criteria provided, single submitter. Criteria: GeneDx Variant Classification (06012015). Collection method: clinical testing. Allele origin: germline. Affected: yes.
Comment: The c.1997+5G>C variant in the TSC1 gene has not been reported previously as a pathogenic variant nor as a benign variant, to our knowledge. This variant damages the splice donor site in intron 15, and is expected to cause abnormal gene splicing. The c.1997+5G>C variant is not observed in large population cohorts (Lek et al., 2016). We interpret c.1997+5G>C as a variant of uncertain significance.

NM_000368.5(TSC1):c.1997+5G>C

Gene: TSC1 (TSC complex subunit 1; minus strand). Cytogenetic location: 9q34.13.
Variant type: single nucleotide variant.
Coding change: c.1997+5G>C on transcript NM_000368.5 (MANE Select); 5 bases into the intron after coding-DNA position 1997, G replaced by C.
Molecular consequence: intron variant.
Genome position (GRCh38, 1-based): chr9:132,905,576, C>G on the plus strand (G>C on the coding strand, the complement: TSC1 is on the minus strand). VCF-style: chr9-132905576-C-G. GRCh37 (hg19) VCF-style: chr9-135780963-C-G.
Other names: c.1634+5G>C (NM_001362177.2); c.1844+5G>C (NM_001162427.2); c.1994+5G>C (NM_001162426.2).
Identifiers: ClinVar variation 504056 (VCV000504056.2), dbSNP rs1554815679, ClinGen allele CA658797317.